The following is an entry in ClinVar:

NM_001276270.2(MBD4):c.1002C>G (p.Asn334Lys)

Gene: MBD4 (methyl-CpG binding domain 4, DNA glycosylase; minus strand). Cytogenetic location: 3q21.3.
Variant type: single nucleotide variant.
Coding change: c.1002C>G on transcript NM_001276270.2 (MANE Select); coding-DNA position 1002, C replaced by G.
Protein change: p.Asn334Lys; replaces asparagine 334 with lysine.
Molecular consequence: missense variant. On other transcripts: intron variant (1).
Genome position (GRCh38, 1-based): chr3:129,436,642, G>C on the plus strand (C>G on the coding strand, the complement: MBD4 is on the minus strand). VCF-style: chr3-129436642-G-C. GRCh37 (hg19) VCF-style: chr3-129155485-G-C.
Other names: c.1002C>G, p.Asn334Lys (NM_001276271.2, NM_001276272.2, NM_003925.3); c.247+1166C>G (NM_001276273.2); short protein forms N334K.
Identifiers: ClinVar variation 4624386 (VCV004624386.1).

ClinVar aggregate classification (germline): Uncertain significance (1 of 4 stars; one submission).

Conditions:
Inborn genetic diseases. Identifiers: MedGen C0950123, MeSH D030342.

Submission:

Ambry Genetics
Classification: Uncertain significance for Inborn genetic diseases. Last evaluated: 2025-09-28. Review status: criteria provided, single submitter. Criteria: Ambry Variant Classification Scheme 2023. Collection method: clinical testing. Allele origin: germline.
Comment: The p.N334K variant (also known as c.1002C>G), located in coding exon 3 of the MBD4 gene, results from a C to G substitution at nucleotide position 1002. The asparagine at codon 334 is replaced by lysine, an amino acid with similar properties. This amino acid position is conserved. In addition, the in silico prediction for this alteration is inconclusive. Based on the available evidence, the clinical significance of this variant remains unclear.